The following is an entry in ClinVar:

NM_022047.4(DEF6):c.916+8C>G

Gene: DEF6 (DEF6 guanine nucleotide exchange factor; plus strand). Cytogenetic location: 6p21.31.
Variant type: single nucleotide variant.
Coding change: c.916+8C>G on transcript NM_022047.4 (MANE Select); 8 bases into the intron after coding-DNA position 916, C replaced by G.
Molecular consequence: intron variant.
Genome position (GRCh38, 1-based): chr6:35,318,007, C>G. VCF-style: chr6-35318007-C-G. GRCh37 (hg19) VCF-style: chr6-35285784-C-G.
Other names: c.916+8C>G (NM_022047.3).
Identifiers: ClinVar variation 2974992 (VCV002974992.5), dbSNP rs767159026, ClinGen allele CA3770841.
Genomic context (GRCh38, chr6:35,318,007, plus strand): 5'-CACGTATGAGATGAGCGCCTCAGACACGCGCCAGCGCCAGGAGTGGACAGCTGGTGAGTG[C>G]TCGCTAGGTGGCTTGGGTCTGGGTGGTCCTTAGGCGCCTCATCTGTGAAAAGGGGGTGAT-3'

ClinVar aggregate classification (germline): Likely benign. Review status: criteria provided, single submitter (1 of 4 stars). 2 submissions from 2 submitters: Likely benign (1). 1 of the submissions does not count toward it. Last evaluated 2023-05-16.

Conditions:
DEF6-related disorder. Also called: DEF6-related condition.

Allele frequency attached by ClinVar (database versions not stated): ExAC 0.00001; TOPMed 0.00001; gnomAD 0.00002.
gnomAD v4.1: 9 of 1,610,306 alleles (0.00056%); highest among the groups gnomAD compares: Non-Finnish European, 0.00076%; no homozygotes.

Submissions (2):

Labcorp Genetics (formerly Invitae), Labcorp
Classification: Likely benign. Last evaluated: 2023-05-16. Review status: criteria provided, single submitter. Criteria: Invitae Variant Classification Sherloc (09022015). Collection method: clinical testing. Allele origin: germline.

PreventionGenetics, part of Exact Sciences
Classification: Likely benign for DEF6-related condition. Last evaluated: 2023-11-08. Review status: no assertion criteria provided. Collection method: clinical testing. Allele origin: germline. Not counted in ClinVar's aggregate classification.
Comment: This variant is classified as likely benign based on ACMG/AMP sequence variant interpretation guidelines (Richards et al. 2015 PMID: 25741868, with internal and published modifications).